The following is an entry in ClinVar:

NM_001289125.3(IFNAR2):c.695C>T (p.Pro232Leu)

Genes: IFNAR2 (interferon alpha and beta receptor subunit 2; plus strand), IFNAR2-IL10RB (IFNAR2-IL10RB readthrough; plus strand). Cytogenetic location: 21q22.11.
Variant type: single nucleotide variant.
Coding change: c.695C>T on transcript NM_001289125.3 (MANE Select); coding-DNA position 695, C replaced by T.
Protein change: p.Pro232Leu; replaces proline 232 with leucine.
Molecular consequence: missense variant.
Genome position (GRCh38, 1-based): chr21:33,252,816, C>T. VCF-style: chr21-33252816-C-T. GRCh37 (hg19) VCF-style: chr21-34625121-C-T.
Other names: c.695C>T, p.Pro232Leu (NM_207585.3, NM_207584.3, NM_001414505.1 and 5 more transcripts); c.695C>T (NM_207585.2); short protein forms P232L.
Identifiers: ClinVar variation 1957016 (VCV001957016.5), dbSNP rs1382749143, ClinGen allele CA410100904.

ClinVar aggregate classification (germline): Uncertain significance. Review status: criteria provided, multiple submitters, no conflicts (2 of 4 stars). 2 submissions from 2 submitters: Uncertain significance (2). Last evaluated 2026-01-30.

Allele frequency attached by ClinVar (database versions not stated): gnomAD 0.00001; TOPMed 0.00001.
gnomAD v4.1: 6 of 1,613,322 alleles (0.00037%); highest among the groups gnomAD compares: Admixed American, 0.0033%; no homozygotes.

Submissions (2):

GeneDx
Classification: Uncertain significance. Last evaluated: 2026-01-30. Review status: criteria provided, single submitter. Criteria: GeneDx Variant Classification Process June 2021. Collection method: clinical testing. Allele origin: germline.
Comment: In silico analysis supports that this missense variant has a deleterious effect on protein structure/function; Has not been previously published as pathogenic or benign to our knowledge

Labcorp Genetics (formerly Invitae), Labcorp
Classification: Uncertain significance. Last evaluated: 2023-12-11. Review status: criteria provided, single submitter. Criteria: Invitae Variant Classification Sherloc (09022015). Collection method: clinical testing. Allele origin: germline.
Comment: This sequence change replaces proline, which is neutral and non-polar, with leucine, which is neutral and non-polar, at codon 232 of the IFNAR2 protein (p.Pro232Leu). This variant is present in population databases (no rsID available, gnomAD 0.006%). This variant has not been reported in the literature in individuals affected with IFNAR2-related conditions. ClinVar contains an entry for this variant (Variation ID: 1957016). An algorithm developed to predict the effect of missense changes on protein structure and function (PolyPhen-2) suggests that this variant is likely to be disruptive. In summary, the available evidence is currently insufficient to determine the role of this variant in disease. Therefore, it has been classified as a Variant of Uncertain Significance.